The following is an entry in ClinVar:

NM_006767.4(LZTR1):c.460G>C (p.Glu154Gln)

Gene: LZTR1 (leucine zipper like post translational regulator 1; plus strand). Cytogenetic location: 22q11.21.
Variant type: single nucleotide variant.
Coding change: c.460G>C on transcript NM_006767.4 (MANE Select); coding-DNA position 460, G replaced by C.
Protein change: p.Glu154Gln; replaces glutamic acid 154 with glutamine.
Molecular consequence: missense variant.
Genome position (GRCh38, 1-based): chr22:20,988,069, G>C. VCF-style: chr22-20988069-G-C. GRCh37 (hg19) VCF-style: chr22-21342358-G-C.
Other names: short protein forms E154Q.
Identifiers: ClinVar variation 1741880 (VCV001741880.8), dbSNP rs1210692102, ClinGen allele CA410779830.

ClinVar aggregate classification (germline): Uncertain significance. Review status: criteria provided, multiple submitters, no conflicts (2 of 4 stars). 2 submissions from 2 submitters: Uncertain significance (2). Last evaluated 2026-01-07.

Conditions:
Cardiovascular phenotype. Identifiers: MedGen CN230736.
Hereditary cancer-predisposing syndrome. Also called: Hereditary Cancer Syndrome; Hereditary neoplastic syndrome; Neoplastic Syndromes, Hereditary; Tumor predisposition. Identifiers: Orphanet 140162, MedGen C0027672, MeSH D009386, MONDO:0015356.

Allele frequency attached by ClinVar (database versions not stated): gnomAD exomes below 0.00001.
gnomAD v4.1: 4 of 1,613,746 alleles (0.00025%); highest among the groups gnomAD compares: Non-Finnish European, 0.00034%; no homozygotes.

Submissions (2):

Labcorp Genetics (formerly Invitae), Labcorp
Classification: Uncertain significance. Last evaluated: 2026-01-07. Review status: criteria provided, single submitter. Criteria: Invitae Variant Classification Sherloc (09022015). Collection method: clinical testing. Allele origin: germline.
Comment: This sequence change replaces glutamic acid, which is acidic and polar, with glutamine, which is neutral and polar, at codon 154 of the LZTR1 protein (p.Glu154Gln). This variant is not present in population databases (gnomAD no frequency). This variant has not been reported in the literature in individuals affected with LZTR1-related conditions. ClinVar contains an entry for this variant (Variation ID: 1741880). Invitae Evidence Modeling of protein sequence and biophysical properties (such as structural, functional, and spatial information, amino acid conservation, physicochemical variation, residue mobility, and thermodynamic stability) indicates that this missense variant is not expected to disrupt LZTR1 protein function with a negative predictive value of 80%. In summary, the available evidence is currently insufficient to determine the role of this variant in disease. Therefore, it has been classified as a Variant of Uncertain Significance.

Ambry Genetics
Classification: Uncertain significance for Cardiovascular phenotype; Hereditary cancer-predisposing syndrome. Last evaluated: 2025-08-09. Review status: criteria provided, single submitter. Criteria: Ambry Variant Classification Scheme 2023. Collection method: clinical testing. Allele origin: germline.
Comment: The p.E154Q variant (also known as c.460G>C), located in coding exon 5 of the LZTR1 gene, results from a G to C substitution at nucleotide position 460. The glutamic acid at codon 154 is replaced by glutamine, an amino acid with highly similar properties. This amino acid position is highly conserved in available vertebrate species. In addition, the in silico prediction for this alteration is inconclusive. Since supporting evidence is limited at this time, the clinical significance of this alteration remains unclear.